The following is an entry in ClinVar:

ClinVar aggregate classification (germline): Uncertain significance (1 of 4 stars; one submission).

Conditions:
Aortic aneurysm, familial thoracic 8 (AAT8). Identifiers: MedGen C3809513, MONDO:0014187, OMIM 615436.

Submission:

Labcorp Genetics (formerly Invitae), Labcorp
Classification: Uncertain significance for Aortic aneurysm, familial thoracic 8. Last evaluated: 2024-12-05. Review status: criteria provided, single submitter. Criteria: Invitae Variant Classification Sherloc (09022015). Collection method: clinical testing. Allele origin: germline.
Comment: This sequence change replaces leucine, which is neutral and non-polar, with isoleucine, which is neutral and non-polar, at codon 199 of the PRKG1 protein (p.Leu199Ile). This variant is not present in population databases (gnomAD no frequency). This variant has not been reported in the literature in individuals affected with PRKG1-related conditions. An algorithm developed to predict the effect of missense changes on protein structure and function (PolyPhen-2) suggests that this variant is likely to be tolerated. In summary, the available evidence is currently insufficient to determine the role of this variant in disease. Therefore, it has been classified as a Variant of Uncertain Significance.

NM_006258.4(PRKG1):c.595C>A (p.Leu199Ile)

Gene: PRKG1 (protein kinase cGMP-dependent 1; plus strand). Cytogenetic location: 10q21.1.
Variant type: single nucleotide variant.
Coding change: c.595C>A on transcript NM_006258.4 (MANE Select); coding-DNA position 595, C replaced by A.
Protein change: p.Leu199Ile; replaces leucine 199 with isoleucine.
Molecular consequence: missense variant.
Genome position (GRCh38, 1-based): chr10:51,804,587, C>A. VCF-style: chr10-51804587-C-A. GRCh37 (hg19) VCF-style: chr10-53564347-C-A.
Other names: c.550C>A, p.Leu184Ile (NM_001098512.3); c.595C>A, p.Leu199Ile (NM_001374782.1); short protein forms L184I, L199I.
Identifiers: ClinVar variation 3726694 (VCV003726694.2).